The following is an entry in ClinVar:

ClinVar aggregate classification (germline): Uncertain significance (1 of 4 stars; one submission).

Conditions:
Inborn genetic diseases. Identifiers: MedGen C0950123, MeSH D030342.

Submission:

Ambry Genetics
Classification: Uncertain significance for Inborn genetic diseases. Last evaluated: 2025-09-07. Review status: criteria provided, single submitter. Criteria: Ambry Variant Classification Scheme 2023. Collection method: clinical testing. Allele origin: germline.
Comment: The p.V402A variant (also known as c.1205T>C), located in coding exon 5 of the SH2B3 gene, results from a T to C substitution at nucleotide position 1205. The valine at codon 402 is replaced by alanine, an amino acid with similar properties. This amino acid position is conserved. In addition, this alteration is predicted to be deleterious by in silico analysis. Based on the available evidence, the clinical significance of this variant remains unclear.

NM_005475.3(SH2B3):c.1205T>C (p.Val402Ala)

Gene: SH2B3 (SH2B adaptor protein 3; plus strand). Cytogenetic location: 12q24.12.
Variant type: single nucleotide variant.
Coding change: c.1205T>C on transcript NM_005475.3 (MANE Select); coding-DNA position 1205, T replaced by C.
Protein change: p.Val402Ala; replaces valine 402 with alanine.
Molecular consequence: missense variant.
Genome position (GRCh38, 1-based): chr12:111,447,513, T>C. VCF-style: chr12-111447513-T-C. GRCh37 (hg19) VCF-style: chr12-111885317-T-C.
Other names: c.599T>C, p.Val200Ala (NM_001291424.1); short protein forms V402A, V200A.
Identifiers: ClinVar variation 3318001 (VCV003318001.2).